The following is an entry in ClinVar:

ClinVar aggregate classification (germline): Likely pathogenic (1 of 4 stars; one submission).

Submission:

Clinical Genomics Laboratory, Laboratory for Precision Diagnostics, University of Washington
Classification: Likely pathogenic. Last evaluated: 2019-12-04. Review status: criteria provided, single submitter. Criteria: Clinical Cytogenomics Laboratory Policy on CNV Interpretation. Collection method: clinical testing. Allele origin: maternal. Affected: yes. Observed: 1 variant allele.
Comment: Reduced penetrance and variable expressivity

Literature cited by the submitters: PubMed 26278718; PubMed 31543904.

GRCh37/hg19 22q11.21(chr22:21062168-21463730)x1

Genes: AIFM3 (AIF family member 3; plus strand), CRKL (CRK like proto-oncogene, adaptor protein; plus strand), LZTR1 (leucine zipper like post translational regulator 1; plus strand), P2RX6 (purinergic receptor P2X 6; plus strand), PI4KA (phosphatidylinositol 4-kinase alpha; minus strand) and 4 more. Cytogenetic location: 22q11.21.
Variant type: copy number loss.
Change: copy number 1 (one copy instead of two) of chr22:21,062,168-21,463,730 (401.6 kb, GRCh37 coordinates, 1-based), cytogenetic band 22q11.21.
Identifiers: ClinVar variation 929351 (VCV000929351.2).